The following is an entry in ClinVar:

ClinVar aggregate classification (germline): Likely benign (1 of 4 stars; one submission).

Conditions:
SMARCA5-related disorder. Also called: SMARCA5-related condition; SMARCA5-Related Disorders.

Submission:

PreventionGenetics, part of Exact Sciences
Classification: Likely benign for SMARCA5-related condition. Last evaluated: 2025-07-07. Review status: criteria provided, single submitter. Criteria: ACMG Guidelines, 2015. Collection method: clinical testing. Allele origin: germline.
Comment: This variant is classified as likely benign based on ACMG/AMP sequence variant interpretation guidelines (Richards et al. 2015 PMID: 25741868, with internal and published modifications).

NM_003601.4(SMARCA5):c.156T>G (p.Gly52=)

Genes: SMARCA5 (SNF2 related chromatin remodeling ATPase 5; plus strand), SMARCA5-AS1 (SMARCA5 antisense RNA 1; minus strand). Cytogenetic location: 4q31.21.
Variant type: single nucleotide variant.
Coding change: c.156T>G on transcript NM_003601.4 (MANE Select); coding-DNA position 156, T replaced by G.
Protein change: p.Gly52=; no amino-acid change (glycine 52 retained).
Molecular consequence: synonymous variant. On other transcripts: non-coding transcript variant (1).
Genome position (GRCh38, 1-based): chr4:143,514,080, T>G. VCF-style: chr4-143514080-T-G. GRCh37 (hg19) VCF-style: chr4-144435233-T-G.
Identifiers: ClinVar variation 4977738 (VCV004977738.1).
Genomic context (GRCh38, chr4:143,514,080, plus strand): 5'-CAACAAAGGCGGCCCCGAAGGCGTCGCGGCGCAGGCGGTTGCGTCTGCGGCCAGCGCTGG[T>G]CCCGCAGACGCCGAGATGGAGGTGAGGGCGACTTGCGGCATGGGGAGCGGGTGCAGCGGG-3'
Protein context (NP_003592.3, residues 42-62): AQAVASAASA[Gly52=]PADAEMEEIF